The following is an entry in ClinVar:

ClinVar aggregate classification (germline): Conflicting classifications of pathogenicity. Review status: criteria provided, conflicting classifications (1 of 4 stars). 5 submissions from 5 submitters: Uncertain significance (1); Likely benign (3). 1 of the submissions does not count toward it. Last evaluated 2026-04-01.

Conditions:
ESR1-related disorder. Also called: ESR1-related condition.

Allele frequency attached by ClinVar (database versions not stated): 1000 Genomes Project 30x 0.00047; 1000 Genomes Project 0.00060; TOPMed 0.00273; gnomAD 0.00310 and 0.00317; gnomAD exomes 0.00327 and 0.00461; ExAC 0.00360; ESP Exome Variant Server 0.00361.
gnomAD v4.1: 7,260 of 1,613,882 alleles (0.45%); highest among the groups gnomAD compares: Non-Finnish European, 0.53%; 24 homozygotes.

Submissions (5):

CeGaT Center for Human Genetics Tuebingen
Classification: Likely benign. Last evaluated: 2026-04-01. Review status: criteria provided, single submitter. Criteria: CeGaT Center For Human Genetics Tuebingen Variant Classification Criteria Version 2. Collection method: clinical testing. Allele origin: germline. Affected: yes. Observed: 6 variant alleles.
Comment: ESR1: PP3, BS2

GeneDx
Classification: Uncertain significance. Last evaluated: 2024-12-16. Review status: criteria provided, single submitter. Criteria: GeneDx Variant Classification Process June 2021. Collection method: clinical testing. Allele origin: germline. Affected: yes.
Comment: Identified in an individual with primary ovarian insufficiency, however, functional studies in HEK293T cells demonstrated that the variant showed similar transcriptional activity to wild type (PMID: 27603904); In silico analysis supports that this missense variant has a deleterious effect on protein structure/function; This variant is associated with the following publications: (PMID: 23074960, 27603904, 34662886, 36099812)

Blueprint Genetics
Classification: Likely benign. Last evaluated: 2024-11-20. Review status: criteria provided, single submitter. Criteria: ACMG Guidelines, 2015. Collection method: clinical testing. Allele origin: germline.

Labcorp Genetics (formerly Invitae), Labcorp
Classification: Likely benign. Last evaluated: 2019-12-31. Review status: criteria provided, single submitter. Criteria: Invitae Variant Classification Sherloc (09022015). Collection method: clinical testing. Allele origin: germline.

PreventionGenetics, part of Exact Sciences
Classification: Likely benign for ESR1-related condition. Last evaluated: 2019-06-27. Review status: no assertion criteria provided. Collection method: clinical testing. Allele origin: germline. Not counted in ClinVar's aggregate classification.
Comment: This variant is classified as likely benign based on ACMG/AMP sequence variant interpretation guidelines (Richards et al. 2015 PMID: 25741868, with internal and published modifications).

NM_000125.4(ESR1):c.16C>T (p.His6Tyr)

Gene: ESR1 (estrogen receptor 1; plus strand). Cytogenetic location: 6q25.1.
Variant type: single nucleotide variant.
Coding change: c.16C>T on transcript NM_000125.4 (MANE Select); coding-DNA position 16, C replaced by T.
Protein change: p.His6Tyr; replaces histidine 6 with tyrosine.
Molecular consequence: missense variant.
Genome position (GRCh38, 1-based): chr6:151,807,928, C>T. VCF-style: chr6-151807928-C-T. GRCh37 (hg19) VCF-style: chr6-152129063-C-T.
Other names: c.16C>T, p.His6Tyr (NM_001122742.2, NM_001291230.2, NM_001291241.2 and 7 more transcripts); short protein forms H6Y.
Identifiers: ClinVar variation 712708 (VCV000712708.35), dbSNP rs139960913, ClinGen allele CA4052073.